The following is an entry in ClinVar:

ClinVar aggregate classification (germline): Uncertain significance (1 of 4 stars; one submission).

Conditions:
WDPCP-related disorder. Also called: WDPCP-related condition.

Submission:

PreventionGenetics, part of Exact Sciences
Classification: Uncertain significance for WDPCP-related condition. Last evaluated: 2026-04-25. Review status: criteria provided, single submitter. Criteria: ACMG Guidelines, 2015. Collection method: clinical testing. Allele origin: germline.
Comment: The WDPCP c.1830C>A variant is predicted to result in the amino acid substitution p.Ser610Arg. To our knowledge, this variant has not been reported in the literature. This variant is reported in 0.011% of alleles in individuals of African descent in gnomAD. At this time, the clinical significance of this variant is uncertain due to the absence of conclusive functional and genetic evidence.

NM_015910.7(WDPCP):c.1748+18391C>A

Gene: WDPCP (WD repeat containing planar cell polarity effector; minus strand). Cytogenetic location: 2p15.
Variant type: single nucleotide variant.
Coding change: c.1748+18391C>A on transcript NM_015910.7 (MANE Select); 18391 bases into the intron after coding-DNA position 1748, C replaced by A.
Molecular consequence: intron variant. On other transcripts: missense variant (1).
Genome position (GRCh38, 1-based): chr2:63,359,995, G>T on the plus strand (C>A on the coding strand, the complement: WDPCP is on the minus strand). VCF-style: chr2-63359995-G-T. GRCh37 (hg19) VCF-style: chr2-63587130-G-T.
Other names: c.1830C>A, p.Ser610Arg (NM_001354045.2); c.1676+18391C>A (NM_001354044.2); c.1271+18391C>A (NM_001042692.3); short protein forms S610R.
Identifiers: ClinVar variation 3357268 (VCV003357268.2).
Genomic context (GRCh38, chr2:63,359,995, plus strand): 5'-CTGGGTGTGGTGGCACATGCCAGTGGTCCCAGCTACTCGGGAGGCTGAGGCAGAAGAATC[G>T]CTTGAACCCAGGAGATGGAGGTGGCAATGAACCGCGATCACATCACTGCACTCCAGCCTG-3'